The following is an entry in ClinVar:

NM_002299.4(LCT):c.5514del (p.Asn1838fs)

Gene: LCT (lactase; minus strand). Cytogenetic location: 2q21.3.
Variant type: Deletion.
Coding change: c.5514del on transcript NM_002299.4 (MANE Select); coding-DNA position 5514, one base deleted (T; older notation c.5514delT).
Protein change: p.Asn1838fs; shifts the reading frame from asparagine 1838.
Molecular consequence: frameshift variant.
Genome position (GRCh38, 1-based): chr2:135,789,620, A deleted on the plus strand (T on the coding strand, the reverse complement: LCT is on the minus strand). VCF-style (leftmost placement, unchanged base first): chr2-135789619-CA-C. GRCh37 (hg19) VCF-style: chr2-136547189-CA-C.
Other names: short protein forms N1838fs.
Identifiers: ClinVar variation 2696336 (VCV002696336.3), dbSNP rs2467479297, ClinGen allele CA2697551029.

ClinVar aggregate classification (germline): Uncertain significance (1 of 4 stars; one submission).

Submission:

Labcorp Genetics (formerly Invitae), Labcorp
Classification: Uncertain significance. Last evaluated: 2023-11-16. Review status: criteria provided, single submitter. Criteria: Invitae Variant Classification Sherloc (09022015). Collection method: clinical testing. Allele origin: germline.
Comment: This sequence change creates a premature translational stop signal (p.Asn1838Lysfs*26) in the LCT gene. While this is not anticipated to result in nonsense mediated decay, it is expected to disrupt the last 90 amino acid(s) of the LCT protein. This variant is not present in population databases (gnomAD no frequency). This variant has not been reported in the literature in individuals affected with LCT-related conditions. Experimental studies and prediction algorithms are not available or were not evaluated, and the functional significance of this variant is currently unknown. In summary, the available evidence is currently insufficient to determine the role of this variant in disease. Therefore, it has been classified as a Variant of Uncertain Significance.